The following is an entry in ClinVar:

ClinVar aggregate classification (germline): Uncertain significance (1 of 4 stars; one submission).

Conditions:
RASopathy. Also called: Noonan spectrum disorder; rasopathies. Identifiers: Orphanet 536391, MedGen C5555857, MONDO:0021060.

Allele frequency attached by ClinVar (database versions not stated): gnomAD exomes below 0.00001.
gnomAD v4.1: 1 of 1,614,114 alleles (0.000062%); highest among the groups gnomAD compares: Non-Finnish European, 0.000085%; no homozygotes.

Submission:

Labcorp Genetics (formerly Invitae), Labcorp
Classification: Uncertain significance for RASopathy. Last evaluated: 2023-12-21. Review status: criteria provided, single submitter. Criteria: Invitae Variant Classification Sherloc (09022015). Collection method: clinical testing. Allele origin: germline.
Comment: This sequence change replaces isoleucine, which is neutral and non-polar, with threonine, which is neutral and polar, at codon 11 of the PTPN11 protein (p.Ile11Thr). This variant is present in population databases (no rsID available, gnomAD 0.006%). This variant has not been reported in the literature in individuals affected with PTPN11-related conditions. Advanced modeling of protein sequence and biophysical properties (such as structural, functional, and spatial information, amino acid conservation, physicochemical variation, residue mobility, and thermodynamic stability) performed at Invitae indicates that this missense variant is expected to disrupt PTPN11 protein function with a positive predictive value of 95%. In summary, the available evidence is currently insufficient to determine the role of this variant in disease. Therefore, it has been classified as a Variant of Uncertain Significance.

NM_002834.5(PTPN11):c.32T>C (p.Ile11Thr)

Gene: PTPN11 (protein tyrosine phosphatase non-receptor type 11; plus strand). Cytogenetic location: 12q24.13.
Variant type: single nucleotide variant.
Coding change: c.32T>C on transcript NM_002834.5 (MANE Select); coding-DNA position 32, T replaced by C.
Protein change: p.Ile11Thr; replaces isoleucine 11 with threonine.
Molecular consequence: missense variant.
Genome position (GRCh38, 1-based): chr12:112,446,293, T>C. VCF-style: chr12-112446293-T-C. GRCh37 (hg19) VCF-style: chr12-112884097-T-C.
Other names: c.32T>C, p.Ile11Thr (NM_001330437.2, NM_001374625.1, NM_080601.3); short protein forms I11T.
Identifiers: ClinVar variation 2704602 (VCV002704602.3), dbSNP rs1181579972, ClinGen allele CA386776154.